The following is an entry in ClinVar:

ClinVar aggregate classification (germline): Uncertain significance (1 of 4 stars; one submission).

Conditions:
Kabuki syndrome 2 (KABUK2). Also called: KDM6A-Related Kabuki Syndrome. Identifiers: Orphanet 2322, MedGen C3275495, MONDO:0010465, OMIM 300867.

Allele frequency attached by ClinVar (database versions not stated): ExAC 0.00001; gnomAD exomes 0.00001 and 0.00002; gnomAD 0.00003; TOPMed 0.00003.
gnomAD v4.1: 27 of 1,208,467 alleles (0.0022%); highest among the groups gnomAD compares: Non-Finnish European, 0.0026%; no homozygotes.

Submissions (2):

Labcorp Genetics (formerly Invitae), Labcorp
Classification: Uncertain significance for Kabuki syndrome 2. Last evaluated: 2024-02-24. Review status: criteria provided, single submitter. Criteria: Invitae Variant Classification Sherloc (09022015). Collection method: clinical testing. Allele origin: germline.
Comment: This sequence change replaces serine, which is neutral and polar, with glycine, which is neutral and non-polar, at codon 385 of the KDM6A protein (p.Ser385Gly). This variant is present in population databases (rs762278314, gnomAD 0.001%), including at least one homozygous and/or hemizygous individual. This variant has not been reported in the literature in individuals affected with KDM6A-related conditions. ClinVar contains an entry for this variant (Variation ID: 1516032). Advanced modeling of protein sequence and biophysical properties (such as structural, functional, and spatial information, amino acid conservation, physicochemical variation, residue mobility, and thermodynamic stability) performed at Invitae indicates that this missense variant is not expected to disrupt KDM6A protein function with a negative predictive value of 80%. In summary, the available evidence is currently insufficient to determine the role of this variant in disease. Therefore, it has been classified as a Variant of Uncertain Significance.

Dr. Peter K. Rogan Lab, Western University
No classification provided (evidence only). Condition: Lung cancer. Review status: no classification provided. Collection method: in vitro. Allele origin: not applicable. Functional consequence: retained intron. Not counted in ClinVar's aggregate classification.

NM_001291415.2(KDM6A):c.1153A>G (p.Ser385Gly)

Gene: KDM6A (lysine demethylase 6A; plus strand). Cytogenetic location: Xp11.3.
Variant type: single nucleotide variant.
Coding change: c.1153A>G on transcript NM_001291415.2 (MANE Select); coding-DNA position 1153, A replaced by G.
Protein change: p.Ser385Gly; replaces serine 385 with glycine.
Molecular consequence: missense variant. On other transcripts: non-coding transcript variant (1).
Genome position (GRCh38, 1-based): chrX:45,059,425, A>G. VCF-style: chrX-45059425-A-G. GRCh37 (hg19) VCF-style: chrX-44918670-A-G.
Other names: c.1153A>G, p.Ser385Gly (NM_001291416.2, NM_001291417.2, NM_001291418.2 and 1 more transcripts); c.400A>G, p.Ser134Gly (NM_001291421.2); short protein forms S385G, S134G.
Identifiers: ClinVar variation 1516032 (VCV001516032.7), dbSNP rs762278314, ClinGen allele CA10392319.